The following is an entry in ClinVar:

ClinVar aggregate classification (germline): Pathogenic. Review status: criteria provided, multiple submitters, no conflicts (2 of 4 stars). 2 submissions from 2 submitters: Pathogenic (2). Last evaluated 2022-10-10.

Conditions:
Familial adenomatous polyposis 1 (FAP1). Also called: POLYPOSIS, ADENOMATOUS INTESTINAL; FAMILIAL ADENOMATOUS POLYPOSIS 1, ATTENUATED. Identifiers: MedGen C2713442, MONDO:0021056, OMIM 175100. Disease mechanism: loss of function.

Submissions (2):

Labcorp Genetics (formerly Invitae), Labcorp
Classification: Pathogenic for Familial adenomatous polyposis 1. Last evaluated: 2022-10-10. Review status: criteria provided, single submitter. Criteria: Invitae Variant Classification Sherloc (09022015). Collection method: clinical testing. Allele origin: germline.
Comment: This sequence change creates a premature translational stop signal (p.Lys670*) in the APC gene. While this is not anticipated to result in nonsense mediated decay, it is expected to disrupt the last 2174 amino acid(s) of the APC protein. Information on the frequency of this variant in the gnomAD database is not available, as this variant may be reported differently in the database. This premature translational stop signal has been observed in individual(s) with clinical features of APC-related conditions (PMID: 23159591). This variant disrupts a region of the APC protein in which other variant(s) (p.Tyr2645Lysfs*14) have been determined to be pathogenic (PMID: 1316610, 8381579, 9824584, 22135120, 27081525). This suggests that this is a clinically significant region of the protein, and that variants that disrupt it are likely to be disease-causing. For these reasons, this variant has been classified as Pathogenic.

Quest Diagnostics Nichols Institute San Juan Capistrano
Classification: Pathogenic. Last evaluated: 2016-09-24. Review status: criteria provided, single submitter. Criteria: Quest Diagnostics criteria. Collection method: clinical testing. Allele origin: germline.

Literature cited by the submitters: PubMed 23159591 (cited by Labcorp Genetics (formerly Invitae), Labcorp and Quest Diagnostics Nichols Institute San Juan Capistrano); PubMed 1316610 (cited by Labcorp Genetics (formerly Invitae), Labcorp); PubMed 8381579 (cited by Labcorp Genetics (formerly Invitae), Labcorp); PubMed 9824584 (cited by Labcorp Genetics (formerly Invitae), Labcorp); PubMed 22135120 (cited by Labcorp Genetics (formerly Invitae), Labcorp); PubMed 27081525 (cited by Labcorp Genetics (formerly Invitae), Labcorp).

NM_000038.6(APC):c.2008_2014delinsTAGTTTTGTA (p.Lys670_His672delinsTer)

Gene: APC (APC regulator of Wnt signaling pathway; plus strand). Cytogenetic location: 5q22.2.
Variant type: Indel.
Coding change: c.2008_2014delinsTAGTTTTGTA on transcript NM_000038.6 (MANE Select); coding-DNA positions 2008 to 2014, AAATCTC replaced by TAGTTTTGTA.
Protein change: p.Lys670_His672delinsTer.
Molecular consequence: nonsense.
Genome position (GRCh38, 1-based): chr5:112,837,602-112,837,608, AAATCTC replaced by TAGTTTTGTA. VCF-style: chr5-112837602-AAATCTC-TAGTTTTGTA. GRCh37 (hg19) VCF-style: chr5-112173299-AAATCTC-TAGTTTTGTA.
Other names: c.2008_2014delinsTAGTTTTGTA, p.Lys670_His672delinsTer (NM_001127510.3, NM_001354895.2); c.1954_1960delinsTAGTTTTGTA, p.Lys652_His654delinsTer (NM_001127511.3); c.2062_2068delinsTAGTTTTGTA, p.Lys688_His690delinsTer (NM_001354896.2); c.2038_2044delinsTAGTTTTGTA, p.Lys680_His682delinsTer (NM_001354897.2); c.1933_1939delinsTAGTTTTGTA, p.Lys645_His647delinsTer (NM_001354898.2); c.1924_1930delinsTAGTTTTGTA, p.Lys642_His644delinsTer (NM_001354899.2); c.1885_1891delinsTAGTTTTGTA, p.Lys629_His631delinsTer (NM_001354900.2); c.1831_1837delinsTAGTTTTGTA, p.Lys611_His613delinsTer (NM_001354901.2); and 5 more.
Identifiers: ClinVar variation 438872 (VCV000438872.5), dbSNP rs1554083888, ClinGen allele CA645509158.
Genomic context (GRCh38, chr5:112,837,602, plus strand): 5'-TTTTATTTCAGGCAAATCCTAAGAGAGAACAACTGTCTACAAACTTTATTACAACACTTA[AAATCTC>TAGTTTTGTA]ATAGTTTGACAATAGTCAGTAATGCATGTGGAACTTTGTGGAATCTCTCAGCAAGAAATC-3'